The following is an entry in ClinVar:

NM_024422.6(DSC2):c.1556C>T (p.Thr519Ile)

Gene: DSC2 (desmocollin 2; minus strand). Cytogenetic location: 18q12.1.
Variant type: single nucleotide variant.
Coding change: c.1556C>T on transcript NM_024422.6 (MANE Select); coding-DNA position 1556, C replaced by T.
Protein change: p.Thr519Ile; replaces threonine 519 with isoleucine.
Molecular consequence: missense variant.
Genome position (GRCh38, 1-based): chr18:31,079,954, G>A on the plus strand (C>T on the coding strand, the complement: DSC2 is on the minus strand). VCF-style: chr18-31079954-G-A. GRCh37 (hg19) VCF-style: chr18-28659920-G-A.
Other names: c.1556C>T, p.Thr519Ile (NM_004949.5); short protein forms T519I.
Identifiers: ClinVar variation 922525 (VCV000922525.5), dbSNP rs1987153056, ClinGen allele CA402108164.
Genomic context (GRCh38, chr18:31,079,954, plus strand): 5'-GTCTCTGCCTCTCTATCCAGGCTTCTGAAAACTTTGATTGATCCTGTATTTTCATCAATG[G>A]TGACCCACCCTGTTGGATCAGTTAATTTCTTATACCTGTTGGTAATGATGAATTAAAATA-3'
Protein context (NP_077740.1, residues 509-529): KKLTDPTGWV[Thr519Ile]IDENTGSIKV

ClinVar aggregate classification (germline): Uncertain significance (1 of 4 stars; one submission).

Conditions:
Cardiomyopathy (CMYO). Also called: Cardiomyopathies. Identifiers: Orphanet 167848, MedGen C0878544, MONDO:0004994, HP:0001638. Inheritance: Various modes of inheritance.

Submission:

Color Diagnostics, LLC DBA Color Health
Classification: Uncertain significance for Cardiomyopathy. Last evaluated: 2023-12-04. Review status: criteria provided, single submitter. Criteria: ACMG Guidelines, 2015. Collection method: clinical testing. Allele origin: germline.
Comment: This missense variant replaces threonine with isoleucine at codon 519 of the DSC2 protein. Computational prediction tools and conservation analyses are inconclusive regarding the impact of this variant on the protein function. Computational splicing tools suggest that this variant may not impact RNA splicing. To our knowledge, functional assays have not been performed for this variant nor has this variant been reported in individuals affected with cardiovascular disorders in the literature. This variant has not been identified in the general population by the Genome Aggregation Database (gnomAD). Available evidence is insufficient to determine the role of this variant in disease conclusively. Therefore, this variant is classified as a Variant of Uncertain Significance.